The following is an entry in ClinVar:

ClinVar aggregate classification (germline): Pathogenic (1 of 4 stars; one submission).

Conditions:
Familial adenomatous polyposis 1 (FAP1). Also called: FAMILIAL ADENOMATOUS POLYPOSIS 1, ATTENUATED; POLYPOSIS, ADENOMATOUS INTESTINAL. Identifiers: MedGen C2713442, MONDO:0021056, OMIM 175100. Disease mechanism: loss of function.

Submission:

National Molecular Genetics Centre of Cancer Research, N.N. Alexandrov National Cancer Centre of Belarus
Classification: Pathogenic for Familial adenomatous polyposis 1. Last evaluated: 2018-01-30. Review status: criteria provided, single submitter. Criteria: ACMG Guidelines, 2015. Collection method: clinical testing. Allele origin: germline. Affected: yes. Observed: 1 variant allele, 1 heterozygote.
Comment: Variant c.2063C>A creates a premature stop codon p.Ser688* in the exon 16 of the APC mRNA.

NM_000038.6(APC):c.2063C>A (p.Ser688Ter)

Gene: APC (APC regulator of Wnt signaling pathway; plus strand). Cytogenetic location: 5q22.2.
Variant type: single nucleotide variant.
Coding change: c.2063C>A on transcript NM_000038.6 (MANE Select); coding-DNA position 2063, C replaced by A.
Protein change: p.Ser688Ter; replaces serine 688 with a stop codon.
Molecular consequence: nonsense.
Genome position (GRCh38, 1-based): chr5:112,837,657, C>A. VCF-style: chr5-112837657-C-A. GRCh37 (hg19) VCF-style: chr5-112173354-C-A.
Other names: c.2063C>A, p.Ser688Ter (NM_001127510.3, NM_001354895.2); c.2009C>A, p.Ser670Ter (NM_001127511.3); c.2117C>A, p.Ser706Ter (NM_001354896.2); c.2093C>A, p.Ser698Ter (NM_001354897.2); c.1988C>A, p.Ser663Ter (NM_001354898.2); c.1979C>A, p.Ser660Ter (NM_001354899.2); c.1940C>A, p.Ser647Ter (NM_001354900.2); c.1886C>A, p.Ser629Ter (NM_001354901.2); and 5 more; short protein forms S670*, S688*, S528*, S660*, S405*, S663*, S587*, S647*.
Identifiers: ClinVar variation 545723 (VCV000545723.2), dbSNP rs1554083930, ClinGen allele CA16025833.